The following is an entry in ClinVar:

NM_003579.4(RAD54L):c.1065G>T (p.Lys355Asn)

Gene: RAD54L (RAD54 like; plus strand). Cytogenetic location: 1p34.1.
Variant type: single nucleotide variant.
Coding change: c.1065G>T on transcript NM_003579.4 (MANE Select); coding-DNA position 1065, G replaced by T.
Protein change: p.Lys355Asn; replaces lysine 355 with asparagine.
Molecular consequence: missense variant.
Genome position (GRCh38, 1-based): chr1:46,270,681, G>T. VCF-style: chr1-46270681-G-T. GRCh37 (hg19) VCF-style: chr1-46736353-G-T.
Other names: c.1065G>T, p.Lys355Asn (NM_001142548.2); c.525G>T, p.Lys175Asn (NM_001370766.1); short protein forms K175N, K355N.
Identifiers: ClinVar variation 3223392 (VCV003223392.1), dbSNP rs1277733585, ClinGen allele CA340174523.

ClinVar aggregate classification (germline): Uncertain significance (1 of 4 stars; one submission).

Submission:

Ambry Genetics
Classification: Uncertain significance. Last evaluated: 2024-02-27. Review status: criteria provided, single submitter. Criteria: Ambry Variant Classification Scheme 2023. Collection method: clinical testing. Allele origin: germline.
Comment: The p.K355N variant (also known as c.1065G>T), located in coding exon 10 of the RAD54L gene, results from a G to T substitution at nucleotide position 1065. The lysine at codon 355 is replaced by asparagine, an amino acid with similar properties. This amino acid position is conserved. In addition, the in silico prediction for this alteration is inconclusive. Based on the available evidence, the clinical significance of this alteration remains unclear.